The following is an entry in ClinVar:

NM_000038.6(APC):c.-43A>C

Gene: APC (APC regulator of Wnt signaling pathway; plus strand). Cytogenetic location: 5q22.2.
Variant type: single nucleotide variant.
Coding change: c.-43A>C on transcript NM_000038.6 (MANE Select); 43 bases upstream of the start codon, A replaced by C.
Molecular consequence: 5 prime UTR variant. On other transcripts: intron variant (4).
Genome position (GRCh38, 1-based): chr5:112,737,901, A>C. VCF-style: chr5-112737901-A-C. GRCh37 (hg19) VCF-style: chr5-112073598-A-C.
Other names: c.-151A>C (NM_001127510.3); c.-43A>C (NM_001354896.2, NM_001354899.2, NM_001354903.2); c.-73A>C (NM_001354898.2, NM_001354904.2); c.-67A>C (NM_001354900.2, NM_001354901.2, NM_001354905.2); c.-1078A>C (NM_001354906.2); c.-18-16972A>C (NM_001354895.2); c.166-28425A>C (NM_001354897.2, NM_001354902.2, NM_001127511.3 and 1 more transcripts).
Identifiers: ClinVar variation 245956 (VCV000245956.6), dbSNP rs879254014, ClinGen allele CA10584232.

ClinVar aggregate classification (germline): Conflicting classifications of pathogenicity. Review status: criteria provided, conflicting classifications (1 of 4 stars). 3 submissions from 3 submitters: Uncertain significance (1); Likely benign (1). 1 of the submissions does not count toward it. Last evaluated 2024-04-09.

Conditions:
APC-related disorder. Also called: APC-related condition.
Familial adenomatous polyposis 1 (FAP1). Also called: POLYPOSIS, ADENOMATOUS INTESTINAL; FAMILIAL ADENOMATOUS POLYPOSIS 1, ATTENUATED. Identifiers: MedGen C2713442, MONDO:0021056, OMIM 175100. Disease mechanism: loss of function.

Allele frequency attached by ClinVar (database versions not stated): gnomAD exomes 0.00001; gnomAD 0.00009 and 0.00011; TOPMed 0.00026.
gnomAD v4.1: 24 of 985,376 alleles (0.0024%); highest among the groups gnomAD compares: Admixed American, 0.08%; no homozygotes.

Submissions (3):

Mendelics
Classification: Likely benign for Familial adenomatous polyposis 1. Last evaluated: 2024-04-09. Review status: criteria provided, single submitter. Criteria: ACMG Guidelines, 2015. Collection method: clinical testing. Allele origin: unknown.

GeneDx
Classification: Uncertain significance. Last evaluated: 2018-02-26. Review status: criteria provided, single submitter. Criteria: GeneDx Variant Classification (06012015). Collection method: clinical testing. Allele origin: germline. Affected: yes.
Comment: This variant is denoted APC c.-43A>C, and describes a nucleotide substitution 43 base pairs upstream of the APC ATG translational start site in the 5' untranslated region (UTR). This variant has not, to our knowledge, been published in the literature as pathogenic or benign. APC c.-43A>C does not appear to affect the start codon or the Kozak translational consensus sequence. Although this variant is not predicted to affect splicing, the nucleotide which is altered is conserved in mammals. Based on currently available evidence, it is unclear whether APC c.-43A>C is a pathogenic or benign variant. We consider it to be a variant of uncertain significance.

PreventionGenetics, part of Exact Sciences
Classification: Likely benign for APC-related condition. Last evaluated: 2019-07-17. Review status: no assertion criteria provided. Collection method: clinical testing. Allele origin: germline. Not counted in ClinVar's aggregate classification.
Comment: This variant is classified as likely benign based on ACMG/AMP sequence variant interpretation guidelines (Richards et al. 2015 PMID: 25741868, with internal and published modifications).